The following is an entry in ClinVar:

ClinVar aggregate classification (germline): Benign/Likely benign. Review status: criteria provided, multiple submitters, no conflicts (2 of 4 stars). 3 submissions from 3 submitters: Benign (2); Likely benign (1). Last evaluated 2025-10-13.

Conditions:
Urofacial syndrome type 1. Also called: HPSE2-Related Urofacial Syndrome. Identifiers: Orphanet 2704, MedGen CN033872, MONDO:0009368, OMIM 236730.

Allele frequency attached by ClinVar (database versions not stated): gnomAD exomes 0.00040 and 0.00118; ExAC 0.00160; 1000 Genomes Project 30x 0.00422; gnomAD 0.00476 and 0.00507; 1000 Genomes Project 0.00479; ESP Exome Variant Server 0.00515; TOPMed 0.00539.
gnomAD v4.1: 1,324 of 1,613,664 alleles (0.082%); highest among the groups gnomAD compares: African/African-American, 1.6%; 9 homozygotes.

Submissions (3):

Labcorp Genetics (formerly Invitae), Labcorp
Classification: Benign. Last evaluated: 2025-10-13. Review status: criteria provided, single submitter. Criteria: Invitae Variant Classification Sherloc (09022015). Collection method: clinical testing. Allele origin: germline.

Mayo Clinic Laboratories, Mayo Clinic
Classification: Benign. Last evaluated: 2023-10-04. Review status: criteria provided, single submitter. Criteria: ACMG Guidelines, 2015. Collection method: clinical testing. Allele origin: germline. Observed: 1 variant allele.
Comment: BS1, BS2, BP4, BP7

Fulgent Genetics
Classification: Likely benign for Urofacial syndrome type 1. Last evaluated: 2021-07-18. Review status: criteria provided, single submitter. Criteria: ACMG Guidelines, 2015. Collection method: clinical testing. Allele origin: unknown.

NM_021828.5(HPSE2):c.1194T>C (p.Ala398=)

Gene: HPSE2 (heparanase 2 (inactive); minus strand). Cytogenetic location: 10q24.2.
Variant type: single nucleotide variant.
Coding change: c.1194T>C on transcript NM_021828.5 (MANE Select); coding-DNA position 1194, T replaced by C.
Protein change: p.Ala398=; no amino-acid change (alanine 398 retained).
Molecular consequence: synonymous variant.
Genome position (GRCh38, 1-based): chr10:98,620,613, A>G on the plus strand (T>C on the coding strand, the complement: HPSE2 is on the minus strand). VCF-style: chr10-98620613-A-G. GRCh37 (hg19) VCF-style: chr10-100380370-A-G.
Other names: p.Ala398=; c.1020T>C, p.Ala340= (NM_001166244.1); c.858T>C, p.Ala286= (NM_001166245.1); c.1194T>C, p.Ala398= (NM_001166246.1).
Identifiers: ClinVar variation 728157 (VCV000728157.11), dbSNP rs111762231, ClinGen allele CA5639783.